The following is an entry in ClinVar:

ClinVar aggregate classification (germline): Uncertain significance. Review status: criteria provided, multiple submitters, no conflicts (2 of 4 stars). 2 submissions from 2 submitters: Uncertain significance (2). Last evaluated 2024-11-07.

Conditions:
Neurofibromatosis, type 1 (NF1). Also called: Peripheral type neurofibromatosis; Neurofibromatosis, type I; VON RECKLINGHAUSEN DISEASE; NEUROFIBROMATOSIS, TYPE I, SOMATIC. Identifiers: Orphanet 636, MedGen C0027831, MONDO:0018975, OMIM 162200. Disease mechanism: loss of function.

Submissions (2):

Labcorp Genetics (formerly Invitae), Labcorp
Classification: Uncertain significance for Neurofibromatosis, type 1. Last evaluated: 2024-11-07. Review status: criteria provided, single submitter. Criteria: Invitae Variant Classification Sherloc (09022015). Collection method: clinical testing. Allele origin: germline.
Comment: This sequence change replaces glutamic acid, which is acidic and polar, with aspartic acid, which is acidic and polar, at codon 2337 of the NF1 protein (p.Glu2337Asp). This variant is not present in population databases (gnomAD no frequency). This variant has not been reported in the literature in individuals affected with NF1-related conditions. ClinVar contains an entry for this variant (Variation ID: 2504188). Invitae Evidence Modeling of protein sequence and biophysical properties (such as structural, functional, and spatial information, amino acid conservation, physicochemical variation, residue mobility, and thermodynamic stability) indicates that this missense variant is not expected to disrupt NF1 protein function with a negative predictive value of 95%. In summary, the available evidence is currently insufficient to determine the role of this variant in disease. Therefore, it has been classified as a Variant of Uncertain Significance.

GeneDx
Classification: Uncertain significance. Last evaluated: 2022-12-01. Review status: criteria provided, single submitter. Criteria: GeneDx Variant Classification Process June 2021. Collection method: clinical testing. Allele origin: germline. Affected: yes.
Comment: Not observed at significant frequency in large population cohorts (gnomAD); In silico analysis supports that this missense variant does not alter protein structure/function; Has not been previously published as pathogenic or benign to our knowledge; This variant is associated with the following publications: (PMID: 25486365)

NM_001042492.3(NF1):c.7074A>T (p.Glu2358Asp)

Gene: NF1 (neurofibromin 1; plus strand). Cytogenetic location: 17q11.2.
Variant type: single nucleotide variant.
Coding change: c.7074A>T on transcript NM_001042492.3 (MANE Select); coding-DNA position 7074, A replaced by T.
Protein change: p.Glu2358Asp; replaces glutamic acid 2358 with aspartic acid.
Molecular consequence: missense variant.
Genome position (GRCh38, 1-based): chr17:31,343,020, A>T. VCF-style: chr17-31343020-A-T. GRCh37 (hg19) VCF-style: chr17-29670038-A-T.
Other names: c.7011A>T, p.Glu2337Asp (NM_000267.4); short protein forms E2337D, E2358D.
Identifiers: ClinVar variation 2504188 (VCV002504188.3), dbSNP rs1388098913, ClinGen allele CA399015526.